The following is an entry in ClinVar:

NM_003919.3(SGCE):c.110-9T>C

Genes: CASD1 (CAS1 domain sialic acid O acetyltransferase 1; plus strand), SGCE (sarcoglycan epsilon; minus strand). Cytogenetic location: 7q21.3.
Variant type: single nucleotide variant.
Coding change: c.110-9T>C on transcript NM_003919.3 (MANE Select); 9 bases into the intron before coding-DNA position 110, T replaced by C.
Molecular consequence: intron variant.
Genome position (GRCh38, 1-based): chr7:94,629,850, A>G on the plus strand (T>C on the coding strand, the complement: SGCE is on the minus strand). VCF-style: chr7-94629850-A-G. GRCh37 (hg19) VCF-style: chr7-94259162-A-G.
Other names: c.110-1491T>C (NM_001362809.2, NM_001301139.2); c.110-9T>C (NM_001346717.2, NM_001099400.2, NM_001099401.2); c.218-9T>C (NM_001346715.2, NM_001346713.2); c.23-9T>C (NM_001362807.2, NM_001346719.2); c.-164-9T>C (NM_001362808.2, NM_001346720.2).
Identifiers: ClinVar variation 749234 (VCV000749234.12), dbSNP rs781152122, ClinGen allele CA4348891.
Genomic context (GRCh38, chr7:94,629,850, plus strand): 5'-GCTGATGGGTATACATTCCGATCGGAGTGTACCTTGGAGAAAATACTGTACACTGAAAAC[A>G]AAGAGGAAAGATAAGTGACAGAAAGACAAATAATGAGATACGCCCTTGATAATTCAGCTT-3'

ClinVar aggregate classification (germline): Likely benign. Review status: criteria provided, single submitter (1 of 4 stars). 2 submissions from 2 submitters: Likely benign (1). 1 of the submissions does not count toward it. Last evaluated 2025-04-21.

Conditions:
Myoclonic dystonia 11 (DYT11). Also called: Myoclonic dystonia; Dystonia 11; Dystonia, alcohol responsive; Hereditary essential myoclonus; SGCE Myoclonus-Dystonia; Myoclonus-Dystonia. Identifiers: Orphanet 36899, MedGen C1834570, MONDO:0008044, OMIM 159900.
SGCE-related disorder. Also called: SGCE-related condition.

Allele frequency attached by ClinVar (database versions not stated): gnomAD 0.00001; gnomAD exomes 0.00001 and 0.00006; TOPMed 0.00004; ExAC 0.00006.
gnomAD v4.1: 19 of 1,610,152 alleles (0.0012%); highest among the groups gnomAD compares: Admixed American, 0.03%; no homozygotes.

Submissions (2):

Labcorp Genetics (formerly Invitae), Labcorp
Classification: Likely benign for Myoclonic dystonia 11. Last evaluated: 2025-04-21. Review status: criteria provided, single submitter. Criteria: Invitae Variant Classification Sherloc (09022015). Collection method: clinical testing. Allele origin: germline.

PreventionGenetics, part of Exact Sciences
Classification: Likely benign for SGCE-related condition. Last evaluated: 2019-06-12. Review status: no assertion criteria provided. Collection method: clinical testing. Allele origin: germline. Not counted in ClinVar's aggregate classification.
Comment: This variant is classified as likely benign based on ACMG/AMP sequence variant interpretation guidelines (Richards et al. 2015 PMID: 25741868, with internal and published modifications).